The following is an entry in ClinVar:

ClinVar aggregate classification (germline): Uncertain significance (1 of 4 stars; one submission).

Conditions:
Intellectual developmental disorder, autosomal dominant 1. Also called: MBD5 Haploinsufficiency; Intellectual disability, autosomal dominant 1. Identifiers: Orphanet 228402, MedGen C1969562, MONDO:0007974, OMIM 156200.

gnomAD v4.1: 1 of 1,614,002 alleles (0.000062%); no homozygotes.

Submission:

Labcorp Genetics (formerly Invitae), Labcorp
Classification: Uncertain significance for Intellectual developmental disorder, autosomal dominant 1. Last evaluated: 2022-09-06. Review status: criteria provided, single submitter. Criteria: Invitae Variant Classification Sherloc (09022015). Collection method: clinical testing. Allele origin: germline.
Comment: In summary, the available evidence is currently insufficient to determine the role of this variant in disease. Therefore, it has been classified as a Variant of Uncertain Significance. This sequence change replaces histidine, which is basic and polar, with arginine, which is basic and polar, at codon 569 of the MBD5 protein (p.His569Arg). This variant is not present in population databases (gnomAD no frequency). This variant has not been reported in the literature in individuals affected with MBD5-related conditions. Algorithms developed to predict the effect of missense changes on protein structure and function are either unavailable or do not agree on the potential impact of this missense change (SIFT: "Deleterious"; PolyPhen-2: "Benign"; Align-GVGD: "Class C25").

NM_001378120.1(MBD5):c.1706A>G (p.His569Arg)

Gene: MBD5 (methyl-CpG binding domain protein 5; plus strand). Cytogenetic location: 2q23.1.
Variant type: single nucleotide variant.
Coding change: c.1706A>G on transcript NM_001378120.1 (MANE Select); coding-DNA position 1706, A replaced by G.
Protein change: p.His569Arg; replaces histidine 569 with arginine.
Molecular consequence: missense variant.
Genome position (GRCh38, 1-based): chr2:148,469,649, A>G. VCF-style: chr2-148469649-A-G. GRCh37 (hg19) VCF-style: chr2-149227218-A-G.
Other names: c.1706A>G, p.His569Arg (NM_018328.5); short protein forms H569R.
Identifiers: ClinVar variation 2034593 (VCV002034593.4), dbSNP rs2469868406, ClinGen allele CA348720262.
Genomic context (GRCh38, chr2:148,469,649, plus strand): 5'-GTTCTGTAAAGAGTCAGCCTGGTTTGCTGGGAATGCCTTTAAATCAGATCTTGAACCAGC[A>G]CAATGCTGCCTCCTTTCCAGCAAGTAGTTTACTCTCAGCAGCAGCCAAAGCACAGCTAGC-3'
Protein context (NP_001365049.1, residues 559-579): GMPLNQILNQ[His569Arg]NAASFPASSL